The following is an entry in ClinVar:

ClinVar aggregate classification (germline): Uncertain significance. Review status: criteria provided, multiple submitters, no conflicts (2 of 4 stars). 2 submissions from 2 submitters: Uncertain significance (2). Last evaluated 2025-12-06.

Conditions:
Primary dilated cardiomyopathy (DCM). Also called: Dilated Cardiomyopathy. Identifiers: Orphanet 217604, MedGen C0007193, MeSH D002311, MONDO:0005021, HP:0001644. Inheritance: Various modes of inheritance.
Cardiovascular phenotype. Identifiers: MedGen CN230736.

Allele frequency attached by ClinVar (database versions not stated): TOPMed below 0.00001; gnomAD 0.00001.
gnomAD v4.1: 6 of 1,525,472 alleles (0.00039%); highest among the groups gnomAD compares: Non-Finnish European, 0.00052%; no homozygotes.

Submissions (2):

Labcorp Genetics (formerly Invitae), Labcorp
Classification: Uncertain significance for Primary dilated cardiomyopathy. Last evaluated: 2025-12-06. Review status: criteria provided, single submitter. Criteria: Invitae Variant Classification Sherloc (09022015). Collection method: clinical testing. Allele origin: germline.
Comment: This sequence change replaces glycine, which is neutral and non-polar, with valine, which is neutral and non-polar, at codon 10 of the TXNRD2 protein (p.Gly10Val). This variant is not present in population databases (gnomAD no frequency). This variant has not been reported in the literature in individuals affected with TXNRD2-related conditions. ClinVar contains an entry for this variant (Variation ID: 3225591). An algorithm developed to predict the effect of missense changes on protein structure and function (PolyPhen-2) suggests that this variant is likely to be tolerated. In summary, the available evidence is currently insufficient to determine the role of this variant in disease. Therefore, it has been classified as a Variant of Uncertain Significance.

Ambry Genetics
Classification: Uncertain significance for Cardiovascular phenotype. Last evaluated: 2025-11-24. Review status: criteria provided, single submitter. Criteria: Ambry Variant Classification Scheme 2023. Collection method: clinical testing. Allele origin: germline.
Comment: The p.G10V variant (also known as c.29G>T), located in coding exon 1 of the TXNRD2 gene, results from a G to T substitution at nucleotide position 29. The glycine at codon 10 is replaced by valine, an amino acid with dissimilar properties. This amino acid position is conserved. In addition, this alteration is predicted to be tolerated by in silico analysis. Since supporting evidence is limited at this time, the clinical significance of this alteration remains unclear.

NM_006440.5(TXNRD2):c.29G>T (p.Gly10Val)

Genes: COMT (catechol-O-methyltransferase; plus strand), TXNRD2 (thioredoxin reductase 2; minus strand). Cytogenetic location: 22q11.21.
Variant type: single nucleotide variant.
Coding change: c.29G>T on transcript NM_006440.5 (MANE Select); coding-DNA position 29, G replaced by T.
Protein change: p.Gly10Val; replaces glycine 10 with valine.
Molecular consequence: missense variant. On other transcripts: non-coding transcript variant (1), 5 prime UTR variant (2).
Genome position (GRCh38, 1-based): chr22:19,941,775, C>A on the plus strand (G>T on the coding strand, the complement: TXNRD2 is on the minus strand). VCF-style: chr22-19941775-C-A. GRCh37 (hg19) VCF-style: chr22-19929298-C-A.
Other names: c.29G>T, p.Gly10Val (NM_001282512.3, NM_001352300.2); c.-214C>A (NM_000754.4); c.-508C>A (NM_001362828.2); short protein forms G10V.
Identifiers: ClinVar variation 3225591 (VCV003225591.3), dbSNP rs1159919237, ClinGen allele CA410700131.